The following is an entry in ClinVar:

ClinVar aggregate classification (germline): Likely pathogenic (1 of 4 stars; one submission).

Conditions:
Cohen syndrome (COH1). Also called: PEPPER SYNDROME; Cutis verticis gyrata, retinitis pigmentosa, and sensorineural deafness. Identifiers: Orphanet 193, MedGen C0265223, MONDO:0008999, OMIM 216550.

gnomAD v4.1: 1 of 1,613,844 alleles (0.000062%); no homozygotes.

Submission:

3billion
Classification: Likely pathogenic for Cohen syndrome. Last evaluated: 2024-10-24. Review status: criteria provided, single submitter. Criteria: ACMG Guidelines, 2015. Collection method: clinical testing. Allele origin: germline. Affected: yes.
Comment: The variant is observed at an extremely low frequency in the gnomAD v4.1.0 dataset (total allele frequency: <0.001%). Predicted Consequence/Location: Stop-gained (nonsense): predicted to result in a loss or disruption of normal protein function through nonsense-mediated decay (NMD) or protein truncation. Multiple pathogenic variants are reported downstream of the variant. Therefore, this variant is classified as Likely pathogenic according to the recommendation of ACMG/AMP guideline.

NM_152564.5(VPS13B):c.4414C>T (p.Gln1472Ter)

Gene: VPS13B (vacuolar protein sorting 13 homolog B; plus strand). Cytogenetic location: 8q22.2.
Variant type: single nucleotide variant.
Coding change: c.4414C>T on transcript NM_152564.5 (MANE Select); coding-DNA position 4414, C replaced by T.
Protein change: p.Gln1472Ter; replaces glutamine 1472 with a stop codon.
Molecular consequence: nonsense.
Genome position (GRCh38, 1-based): chr8:99,511,293, C>T. VCF-style: chr8-99511293-C-T. GRCh37 (hg19) VCF-style: chr8-100523521-C-T.
Other names: c.4489C>T, p.Gln1497Ter (NM_017890.5); short protein forms Q1472*, Q1497*.
Identifiers: ClinVar variation 4293478 (VCV004293478.1).